The following is an entry in ClinVar:

NM_005159.5(ACTC1):c.491A>G (p.Asn164Ser)

Genes: ACTC1 (actin alpha cardiac muscle 1; minus strand), GJD2-DT (GJD2 divergent transcript; plus strand). Cytogenetic location: 15q14.
Variant type: single nucleotide variant.
Coding change: c.491A>G on transcript NM_005159.5 (MANE Select); coding-DNA position 491, A replaced by G.
Protein change: p.Asn164Ser; replaces asparagine 164 with serine.
Molecular consequence: missense variant.
Genome position (GRCh38, 1-based): chr15:34,792,533, T>C on the plus strand (A>G on the coding strand, the complement: ACTC1 is on the minus strand). VCF-style: chr15-34792533-T-C. GRCh37 (hg19) VCF-style: chr15-35084734-T-C.
Other names: c.491A>G, p.Asn164Ser (NM_001406482.1, NM_001406483.1); c.356A>G, p.Asn119Ser (NM_001406484.1); c.50A>G, p.Asn17Ser (NM_001406485.1); short protein forms N119S, N164S, N17S.
Identifiers: ClinVar variation 5009244 (VCV005009244.1).
Genomic context (GRCh38, chr15:34,792,533, plus strand): 5'-CCAGCCAGATCCAGACGCATGATGGCATGGGGCAAAGCGTAGCCCTCATAGATGGGGACA[T>C]TGTGAGTTACACCATCCCCAGAGTCCAGAACAATGCCTGCCCGGGGAAGTAGACAAGAAC-3'
Protein context (NP_005150.1, residues 154-174): VLDSGDGVTH[Asn164Ser]VPIYEGYALP

ClinVar aggregate classification (germline): Uncertain significance (1 of 4 stars; one submission).

Submission:

GeneDx
Classification: Uncertain significance. Last evaluated: 2026-03-16. Review status: criteria provided, single submitter. Criteria: GeneDx Variant Classification Process June 2021. Collection method: clinical testing. Allele origin: germline.
Comment: Not observed at significant frequency in large population cohorts (gnomAD); In silico analysis suggests that this missense variant does not alter protein structure/function; Has not been previously published as pathogenic or benign to our knowledge.